The following is an entry in ClinVar:

NM_001258392.3(CLPB):c.212G>A (p.Gly71Glu)

Genes: CLPB (ClpB family mitochondrial disaggregase; minus strand), LOC130006336 (ATAC-STARR-seq lymphoblastoid active region 5191; plus strand). Cytogenetic location: 11q13.4.
Variant type: single nucleotide variant.
Coding change: c.212G>A on transcript NM_001258392.3 (MANE Select); coding-DNA position 212, G replaced by A.
Protein change: p.Gly71Glu; replaces glycine 71 with glutamic acid.
Molecular consequence: missense variant. On other transcripts: 5 prime UTR variant (1).
Genome position (GRCh38, 1-based): chr11:72,434,263, C>T on the plus strand (G>A on the coding strand, the complement: CLPB is on the minus strand). VCF-style: chr11-72434263-C-T. GRCh37 (hg19) VCF-style: chr11-72145307-C-T.
Other names: c.212G>A, p.Gly71Glu (NM_001258393.3, NM_030813.6); c.-31G>A (NM_001258394.3); short protein forms G71E.
Identifiers: ClinVar variation 2881892 (VCV002881892.3), dbSNP rs146099754, ClinGen allele CA381963350.

ClinVar aggregate classification (germline): Uncertain significance (1 of 4 stars; one submission).

Conditions:
3-methylglutaconic aciduria, type VIIB (MGCA7B). Also called: CLPB Deficiency; 3-methylglutaconic aciduria with cataracts, neurologic involvement and neutropenia; 3-methylglutaconic aciduria, type VII, with cataracts, neurologic involvement and neutropenia. Identifiers: Orphanet 445038, MedGen C5676893, MONDO:0014561, OMIM 616271.

gnomAD v4.1: 6 of 1,613,290 alleles (0.00037%); highest among the groups gnomAD compares: Non-Finnish European, 0.00042%; no homozygotes.

Submission:

Labcorp Genetics (formerly Invitae), Labcorp
Classification: Uncertain significance for 3-methylglutaconic aciduria, type VIIB. Last evaluated: 2023-03-17. Review status: criteria provided, single submitter. Criteria: Invitae Variant Classification Sherloc (09022015). Collection method: clinical testing. Allele origin: germline.
Comment: This sequence change replaces glycine, which is neutral and non-polar, with glutamic acid, which is acidic and polar, at codon 71 of the CLPB protein (p.Gly71Glu). This variant has not been reported in the literature in individuals affected with CLPB-related conditions. This variant is not present in population databases (gnomAD no frequency). An algorithm developed to predict the effect of missense changes on protein structure and function (PolyPhen-2) suggests that this variant is likely to be tolerated. In summary, the available evidence is currently insufficient to determine the role of this variant in disease. Therefore, it has been classified as a Variant of Uncertain Significance.